The following is an entry in ClinVar:

NM_001042492.3(NF1):c.496G>C (p.Val166Leu)

Gene: NF1 (neurofibromin 1; plus strand). Cytogenetic location: 17q11.2.
Variant type: single nucleotide variant.
Coding change: c.496G>C on transcript NM_001042492.3 (MANE Select); coding-DNA position 496, G replaced by C.
Protein change: p.Val166Leu; replaces valine 166 with leucine.
Molecular consequence: missense variant.
Genome position (GRCh38, 1-based): chr17:31,169,907, G>C. VCF-style: chr17-31169907-G-C. GRCh37 (hg19) VCF-style: chr17-29496925-G-C.
Other names: c.496G>C, p.Val166Leu (NM_000267.4, NM_001128147.3); short protein forms V166L.
Identifiers: ClinVar variation 4800702 (VCV004800702.1).

ClinVar aggregate classification (germline): Uncertain significance (1 of 4 stars; one submission).

Conditions:
Neurofibromatosis, type 1 (NF1). Also called: VON RECKLINGHAUSEN DISEASE; Neurofibromatosis, type I; NEUROFIBROMATOSIS, TYPE I, SOMATIC; Peripheral type neurofibromatosis. Identifiers: Orphanet 636, MedGen C0027831, MONDO:0018975, OMIM 162200. Disease mechanism: loss of function.

Submission:

Labcorp Genetics (formerly Invitae), Labcorp
Classification: Uncertain significance for Neurofibromatosis, type 1. Last evaluated: 2025-04-03. Review status: criteria provided, single submitter. Criteria: Invitae Variant Classification Sherloc (09022015). Collection method: clinical testing. Allele origin: germline.
Comment: This sequence change replaces valine, which is neutral and non-polar, with leucine, which is neutral and non-polar, at codon 166 of the NF1 protein (p.Val166Leu). This variant is not present in population databases (gnomAD no frequency). This variant has not been reported in the literature in individuals affected with NF1-related conditions. Invitae Evidence Modeling of protein sequence and biophysical properties (such as structural, functional, and spatial information, amino acid conservation, physicochemical variation, residue mobility, and thermodynamic stability) indicates that this missense variant is expected to disrupt NF1 protein function with a positive predictive value of 95%. In summary, the available evidence is currently insufficient to determine the role of this variant in disease. Therefore, it has been classified as a Variant of Uncertain Significance.